The following is an entry in ClinVar:

ClinVar aggregate classification (germline): Likely benign (1 of 4 stars; one submission).

Submission:

GeneDx
Classification: Likely benign. Last evaluated: 2018-03-29. Review status: criteria provided, single submitter. Criteria: GeneDx Variant Classification (06012015). Collection method: clinical testing. Allele origin: germline. Affected: yes.
Comment: This variant is considered likely benign or benign based on one or more of the following criteria: it is a conservative change, it occurs at a poorly conserved position in the protein, it is predicted to be benign by multiple in silico algorithms, and/or has population frequency not consistent with disease.

NM_030770.4(TMPRSS5):c.601G>A (p.Val201Ile)

Gene: TMPRSS5 (transmembrane serine protease 5; minus strand). Cytogenetic location: 11q23.2.
Variant type: single nucleotide variant.
Coding change: c.601G>A on transcript NM_030770.4 (MANE Select); coding-DNA position 601, G replaced by A.
Protein change: p.Val201Ile; replaces valine 201 with isoleucine.
Molecular consequence: missense variant. On other transcripts: non-coding transcript variant (2), intron variant (2).
Genome position (GRCh38, 1-based): chr11:113,695,421, C>T on the plus strand (G>A on the coding strand, the complement: TMPRSS5 is on the minus strand). VCF-style: chr11-113695421-C-T. GRCh37 (hg19) VCF-style: chr11-113566143-C-T.
Other names: c.469G>A, p.Val157Ile (NM_001288750.2); c.574G>A, p.Val192Ile (NM_001288751.2); c.446+1437G>A (NM_001288749.2); c.578+1437G>A (NM_001288752.2); short protein forms V192I, V157I, V201I.
Identifiers: ClinVar variation 676046 (VCV000676046.1), dbSNP rs1591380014, ClinGen allele CA382659768.